The following is an entry in ClinVar:

ClinVar aggregate classification (germline): Pathogenic/Likely pathogenic. Review status: criteria provided, multiple submitters, no conflicts (2 of 4 stars). 2 submissions from 2 submitters: Pathogenic (1); Likely pathogenic (1). Last evaluated 2022-02-02.

Conditions:
Basilicata-Akhtar syndrome. Also called: MENTAL RETARDATION, X-LINKED, SYNDROMIC, BASILICATA-AKHTAR TYPE; INTELLECTUAL DEVELOPMENTAL DISORDER, X-LINKED, SYNDROMIC, 36. Identifiers: MedGen C5231394, MONDO:0026730, OMIM 301032.

Submissions (2):

Victorian Clinical Genetics Services, Murdoch Childrens Research Institute
Classification: Pathogenic for Basilicata-Akhtar syndrome. Last evaluated: 2022-02-02. Review status: criteria provided, single submitter. Criteria: ACMG Guidelines, 2015. Collection method: clinical testing. Allele origin: germline. Inheritance: X-linked dominant inheritance. Affected: yes.
Comment: Based on the classification scheme VCGS_Germline_v1.3.4, this variant is classified as Pathogenic. Following criteria are met: 0102 - Loss of function is a known mechanism of disease in this gene and is associated with Basilicata-Akhtar syndrome (MIM#301032). (I) 0110 - This gene is associated with X-linked dominant disease. (I) 0211 - Canonical splice site variant without proven consequence on splicing (no functional evidence available). (SP) 0251 - This variant is heterozygous. (I) 0301 - Variant is absent from gnomAD (both v2 and v3). (SP) 0508 - In silico predictions for abnormal splicing are inconclusive. (I) 0600 - Variant is located in the annotated MRG domain (Uniprot). (I) 0801 - This variant has strong previous evidence of pathogenicity in unrelated individuals. This variant has been reported in two unrelated de novo individuals with Basilicata-Akhtar syndrome (ClinVar, PMID: 33173220). (SP) 1208 - Inheritance information for this variant is not currently available in this individual. (I) Legend: (SP) - Supporting pathogenic, (I) - Information, (SB) - Supporting benign

Institute of Human Genetics Munich, TUM University Hospital
Classification: Likely pathogenic for Basilicata-Akhtar syndrome. Last evaluated: 2020-01-16. Review status: criteria provided, single submitter. Criteria: Classification criteria August 2017. Collection method: clinical testing. Allele origin: de novo. Inheritance: Autosomal dominant inheritance. Affected: yes. Observed: 1 heterozygote.

Literature cited by the submitters: PubMed 33173220 (cited by Victorian Clinical Genetics Services, Murdoch Childrens Research Institute).

NM_078629.4(MSL3):c.1466+1G>A

Gene: MSL3 (MSL complex subunit 3; plus strand). Cytogenetic location: Xp22.2.
Variant type: single nucleotide variant.
Coding change: c.1466+1G>A on transcript NM_078629.4 (MANE Select); the canonical splice donor site of the intron after coding-DNA position 1466, G replaced by A.
Molecular consequence: splice donor variant.
Genome position (GRCh38, 1-based): chrX:11,772,706, G>A. VCF-style: chrX-11772706-G-A. GRCh37 (hg19) VCF-style: chrX-11790825-G-A.
Other names: c.1019+1G>A (NM_001282174.1); c.1430+1G>A (NM_001193270.2); c.968+1G>A (NM_006800.4).
Identifiers: ClinVar variation 807631 (VCV000807631.6), dbSNP rs1601774648, ClinGen allele CA412067213.